The following is an entry in ClinVar:

ClinVar aggregate classification (germline): Uncertain significance (1 of 4 stars; one submission).

Conditions:
Familial thoracic aortic aneurysm and aortic dissection (TAAD). Also called: Thoracic aortic aneurysms and dissections. Identifiers: Orphanet 91387, MedGen C4707243, MONDO:0019625.

Submission:

Ambry Genetics
Classification: Uncertain significance for Familial thoracic aortic aneurysm and aortic dissection. Last evaluated: 2025-07-11. Review status: criteria provided, single submitter. Criteria: Ambry Variant Classification Scheme 2023. Collection method: clinical testing. Allele origin: germline.
Comment: The c.1675_1676delACinsCA variant, located in coding exon 11 of the NOTCH1 gene, results from an in-frame deletion of AC and insertion of CA at nucleotide positions 1675 to 1676. This results in the substitution of the threonine residue for a glutamine residue at codon 559, an amino acid with highly similar properties. This amino acid position is not well conserved in available vertebrate species. In addition, the in silico prediction for this variant is inconclusive (Choi Y et al. PLoS ONE. 2012; 7(10):e46688). Based on the available evidence, the clinical significance of this variant remains unclear.

NM_017617.5(NOTCH1):c.1675_1676delinsCA (p.Thr559Gln)

Gene: NOTCH1 (notch receptor 1; minus strand). Cytogenetic location: 9q34.3.
Variant type: Indel.
Coding change: c.1675_1676delinsCA on transcript NM_017617.5 (MANE Select); coding-DNA positions 1675 to 1676, AC replaced by CA.
Protein change: p.Thr559Gln; replaces threonine 559 with glutamine.
Molecular consequence: missense variant.
Genome position (GRCh38, 1-based): chr9:136,515,710-136,515,711, GT replaced by TG on the plus strand (AC replaced by CA on the coding strand, the reverse complement: NOTCH1 is on the minus strand). VCF-style: chr9-136515710-GT-TG. GRCh37 (hg19) VCF-style: chr9-139410162-GT-TG.
Other names: short protein forms T559Q.
Identifiers: ClinVar variation 4121649 (VCV004121649.1).